The following is an entry in ClinVar:

NM_013432.5(TONSL):c.1435del (p.Glu479fs)

Gene: TONSL (tonsoku like, DNA repair protein; minus strand). Cytogenetic location: 8q24.3.
Variant type: Deletion.
Coding change: c.1435del on transcript NM_013432.5 (MANE Select); coding-DNA position 1435, one base deleted (G; older notation c.1435delG).
Protein change: p.Glu479fs; shifts the reading frame from glutamic acid 479.
Molecular consequence: frameshift variant.
Genome position (GRCh38, 1-based): chr8:144,440,066, C deleted on the plus strand (G on the coding strand, the reverse complement: TONSL is on the minus strand); the first of 2 consecutive C bases (chr8:144,440,066-144,440,067); deleting either gives the same sequence. VCF-style (leftmost placement, unchanged base first): chr8-144440065-TC-T. GRCh37 (hg19) VCF-style: chr8-145665448-TC-T.
Other names: NM_013432.5:c.1435del; short protein forms E479fs.
Identifiers: ClinVar variation 2500921 (VCV002500921.1), dbSNP rs2537499869, ClinGen allele CA2579754020.
Genomic context (GRCh38, chr8:144,440,065, plus strand): 5'-TGCCGCTGGCCCTCACCGCCCTCTGAGAGCTCCACCTCGCCGGCCTCCAGGGCTTCGCTC[TC>T]CGCTGTGGCTGCCGCCTCCTCCGCCTCCTCCTCCTCATCTTCATCTTCAGCTACACTGAG-3'

ClinVar aggregate classification (germline): Likely pathogenic (1 of 4 stars; one submission).

Conditions:
Sponastrime dysplasia. Also called: SPONDYLAR AND NASAL ALTERATIONS WITH STRIATED METAPHYSES. Identifiers: Orphanet 93357, MedGen C1300260, MONDO:0010068, OMIM 271510.

Submission:

Broad Center for Mendelian Genomics, Broad Institute of MIT and Harvard
Classification: Likely pathogenic for Sponastrime dysplasia. Last evaluated: 2023-05-02. Review status: criteria provided, single submitter. Criteria: ACMG Guidelines, 2015. Collection method: curation. Allele origin: germline. Inheritance: Autosomal recessive inheritance.
Comment: Trio exome analysis revealed that this variant was in trans with a variant of uncertain significance (ClinVar Variation ID: 638069). The p.Glu479ArgfsTer22 variant in TONSL has not been previously reported in individuals with sponastrime dysplasia. This variant was absent from large population studies. This variant is predicted to cause a frameshift, which alters the protein‚Äôs amino acid sequence beginning at position 479 and leads to a premature termination codon 22 amino acids downstream. This alteration is then predicted to lead to a truncated or absent protein. Loss of function of the TONSL gene is an established disease mechanism in sponastrime dysplasia. In summary, although additional studies are required to fully establish its clinical significance, this variant is likely pathogenic for autosomal recessive sponastrime dysplasia. ACMG/AMP Criteria applied: PVS1, PM2_Supporting (Richards 2015).